The following is an entry in ClinVar:

NM_001130144.3(LTBP3):c.804C>T (p.Pro268=)

Gene: LTBP3 (latent transforming growth factor beta binding protein 3; minus strand). Cytogenetic location: 11q13.1.
Variant type: single nucleotide variant.
Coding change: c.804C>T on transcript NM_001130144.3 (MANE Select); coding-DNA position 804, C replaced by T.
Protein change: p.Pro268=; no amino-acid change (proline 268 retained).
Molecular consequence: synonymous variant.
Genome position (GRCh38, 1-based): chr11:65,553,761, G>A on the plus strand (C>T on the coding strand, the complement: LTBP3 is on the minus strand). VCF-style: chr11-65553761-G-A. GRCh37 (hg19) VCF-style: chr11-65321232-G-A.
Other names: p.Pro268=; c.453C>T, p.Pro151= (NM_001164266.1); c.804C>T, p.Pro268= (NM_021070.4).
Identifiers: ClinVar variation 464026 (VCV000464026.14), dbSNP rs201590889, ClinGen allele CA6101158.

ClinVar aggregate classification (germline): Benign/Likely benign. Review status: criteria provided, multiple submitters, no conflicts (2 of 4 stars). 4 submissions from 4 submitters: Benign (3); Likely benign (1). Last evaluated 2026-02-04.

Conditions:
Brachyolmia-amelogenesis imperfecta syndrome. Also called: Tooth agenesis, selective, 6; Dental anomalies and short stature; PLATYSPONDYLY WITH AMELOGENESIS IMPERFECTA. Identifiers: Orphanet 2899, MedGen C1832594, MONDO:0011018, OMIM 601216. Disease mechanism: loss of function.

Allele frequency attached by ClinVar (database versions not stated): 1000 Genomes Project 30x 0.00437; 1000 Genomes Project 0.00459; TOPMed 0.01058; gnomAD 0.01201 and 0.01247; gnomAD exomes 0.01270; ESP Exome Variant Server 0.01281; ExAC 0.03033.
gnomAD v4.1: 25,821 of 1,573,436 alleles (1.6%); highest among the groups gnomAD compares: Non-Finnish European, 1.9%; 282 homozygotes.

Submissions (4):

Labcorp Genetics (formerly Invitae), Labcorp
Classification: Benign for Brachyolmia-amelogenesis imperfecta syndrome. Last evaluated: 2026-02-04. Review status: criteria provided, single submitter. Criteria: Invitae Variant Classification Sherloc (09022015). Collection method: clinical testing. Allele origin: germline.

Blueprint Genetics
Classification: Likely benign. Last evaluated: 2024-11-27. Review status: criteria provided, single submitter. Criteria: ACMG Guidelines, 2015. Collection method: clinical testing. Allele origin: germline.

Mayo Clinic Laboratories, Mayo Clinic
Classification: Benign. Last evaluated: 2023-11-29. Review status: criteria provided, single submitter. Criteria: ACMG Guidelines, 2015. Collection method: clinical testing. Allele origin: germline. Observed: 18 variant alleles.
Comment: BS1, BS2, BP4, BP7

Breakthrough Genomics
Classification: Benign. Review status: criteria provided, single submitter. Criteria: ACMG Guidelines, 2015. Collection method: not provided. Allele origin: germline. Inheritance: Autosomal recessive inheritance. Affected: yes.